The following is an entry in ClinVar:

ClinVar aggregate classification (germline): Uncertain significance (1 of 4 stars; one submission).

Conditions:
Immunodeficiency, common variable, 7. Identifiers: Orphanet 1572, Orphanet 696894, MedGen C3542922, MONDO:0013862, OMIM 614699.

gnomAD v4.1: 7 of 1,613,946 alleles (0.00043%); highest among the groups gnomAD compares: Non-Finnish European, 0.00051%; no homozygotes.

Submission:

Labcorp Genetics (formerly Invitae), Labcorp
Classification: Uncertain significance for Immunodeficiency, common variable, 7. Last evaluated: 2022-08-19. Review status: criteria provided, single submitter. Criteria: Invitae Variant Classification Sherloc (09022015). Collection method: clinical testing. Allele origin: germline.
Comment: In summary, the available evidence is currently insufficient to determine the role of this variant in disease. Therefore, it has been classified as a Variant of Uncertain Significance. Algorithms developed to predict the effect of missense changes on protein structure and function (SIFT, PolyPhen-2, Align-GVGD) all suggest that this variant is likely to be disruptive. ClinVar contains an entry for this variant (Variation ID: 1351859). This variant has not been reported in the literature in individuals affected with CR2-related conditions. This variant is not present in population databases (gnomAD no frequency). This sequence change replaces arginine, which is basic and polar, with leucine, which is neutral and non-polar, at codon 643 of the CR2 protein (p.Arg643Leu).

NM_001006658.3(CR2):c.1928G>T (p.Arg643Leu)

Gene: CR2 (complement C3d receptor 2; plus strand). Cytogenetic location: 1q32.2.
Variant type: single nucleotide variant.
Coding change: c.1928G>T on transcript NM_001006658.3 (MANE Select); coding-DNA position 1928, G replaced by T.
Protein change: p.Arg643Leu; replaces arginine 643 with leucine.
Molecular consequence: missense variant.
Genome position (GRCh38, 1-based): chr1:207,473,129, G>T. VCF-style: chr1-207473129-G-T. GRCh37 (hg19) VCF-style: chr1-207646474-G-T.
Other names: c.1928G>T, p.Arg643Leu (NM_001877.5); short protein forms R643L.
Identifiers: ClinVar variation 1351859 (VCV001351859.8), dbSNP rs748735321, ClinGen allele CA344535371.